The following is an entry in ClinVar:

NM_001854.4(COL11A1):c.898-195G>A

Gene: COL11A1 (collagen type XI alpha 1 chain; minus strand). Cytogenetic location: 1p21.1.
Variant type: single nucleotide variant.
Coding change: c.898-195G>A on transcript NM_001854.4 (MANE Select); 195 bases into the intron before coding-DNA position 898, G replaced by A.
Molecular consequence: intron variant. On other transcripts: missense variant (1).
Genome position (GRCh38, 1-based): chr1:103,025,808, C>T on the plus strand (G>A on the coding strand, the complement: COL11A1 is on the minus strand). VCF-style: chr1-103025808-C-T. GRCh37 (hg19) VCF-style: chr1-103491364-C-T.
Other names: c.925G>A, p.Gly309Arg (NM_080629.3); c.781-195G>A (NM_001190709.2); c.897+408G>A (NM_080630.4); short protein forms G309R.
Identifiers: ClinVar variation 1311040 (VCV001311040.2), dbSNP rs774299581, ClinGen allele CA975222.

ClinVar aggregate classification (germline): Uncertain significance (1 of 4 stars; one submission).

Allele frequency attached by ClinVar (database versions not stated): gnomAD exomes below 0.00001 and 0.00002; TOPMed below 0.00001; ExAC 0.00001; gnomAD 0.00001.
gnomAD v4.1: 5 of 1,613,054 alleles (0.00031%); highest among the groups gnomAD compares: East Asian, 0.011%; no homozygotes.

Submission:

GeneDx
Classification: Uncertain significance. Last evaluated: 2019-12-17. Review status: criteria provided, single submitter. Criteria: GeneDx Variant Classification Process June 2021. Collection method: clinical testing. Allele origin: germline. Affected: yes.
Comment: In silico analysis, which includes splice predictors and evolutionary conservation, supports a deleterious effect; Has not been previously published as pathogenic or benign to our knowledge